The following is an entry in ClinVar:

NM_002905.5(RDH5):c.736C>G (p.Leu246Val)

Genes: BLOC1S1-RDH5 (BLOC1S1-RDH5 readthrough; plus strand), CD63 (CD63 molecule; minus strand), RDH5 (retinol dehydrogenase 5; plus strand). Cytogenetic location: 12q13.2.
Variant type: single nucleotide variant.
Coding change: c.736C>G on transcript NM_002905.5 (MANE Select); coding-DNA position 736, C replaced by G.
Protein change: p.Leu246Val; replaces leucine 246 with valine.
Molecular consequence: missense variant. On other transcripts: non-coding transcript variant (1), 3 prime UTR variant (2).
Genome position (GRCh38, 1-based): chr12:55,724,324, C>G. VCF-style: chr12-55724324-C-G. GRCh37 (hg19) VCF-style: chr12-56118108-C-G.
Other names: c.736C>G, p.Leu246Val (NM_001199771.3); c.*740G>C (NM_001413284.1); c.*755G>C (NM_001413285.1); short protein forms L246V.
Identifiers: ClinVar variation 1924469 (VCV001924469.4), dbSNP rs759201745, ClinGen allele CA6616945.

ClinVar aggregate classification (germline): Uncertain significance (1 of 4 stars; one submission).

Allele frequency attached by ClinVar (database versions not stated): gnomAD exomes below 0.00001; ExAC 0.00001.
gnomAD v4.1: 6 of 1,614,186 alleles (0.00037%); highest among the groups gnomAD compares: Admixed American, 0.0033%; no homozygotes.

Submission:

Labcorp Genetics (formerly Invitae), Labcorp
Classification: Uncertain significance. Last evaluated: 2022-06-22. Review status: criteria provided, single submitter. Criteria: Invitae Variant Classification Sherloc (09022015). Collection method: clinical testing. Allele origin: germline.
Comment: In summary, the available evidence is currently insufficient to determine the role of this variant in disease. Therefore, it has been classified as a Variant of Uncertain Significance. This sequence change replaces leucine, which is neutral and non-polar, with valine, which is neutral and non-polar, at codon 246 of the RDH5 protein (p.Leu246Val). This variant is present in population databases (rs759201745, gnomAD 0.003%). This variant has not been reported in the literature in individuals affected with RDH5-related conditions. Algorithms developed to predict the effect of missense changes on protein structure and function (SIFT, PolyPhen-2, Align-GVGD) all suggest that this variant is likely to be tolerated.